The following is an entry in ClinVar:

NM_001503.4(GPLD1):c.84A>G (p.Thr28=)

Gene: GPLD1 (glycosylphosphatidylinositol specific phospholipase D1; minus strand). Cytogenetic location: 6p22.3.
Variant type: single nucleotide variant.
Coding change: c.84A>G on transcript NM_001503.4 (MANE Select); coding-DNA position 84, A replaced by G.
Protein change: p.Thr28=; no amino-acid change (threonine 28 retained).
Molecular consequence: synonymous variant.
Genome position (GRCh38, 1-based): chr6:24,489,428, T>C on the plus strand (A>G on the coding strand, the complement: GPLD1 is on the minus strand). VCF-style: chr6-24489428-T-C. GRCh37 (hg19) VCF-style: chr6-24489656-T-C.
Identifiers: ClinVar variation 2656285 (VCV002656285.24), dbSNP rs1139456, ClinGen allele CA3656498.

ClinVar aggregate classification (germline): Likely benign (1 of 4 stars; one submission).

Allele frequency attached by ClinVar (database versions not stated): TOPMed 0.00001; gnomAD 0.00007.
gnomAD v4.1: 206 of 1,608,612 alleles (0.013%); highest among the groups gnomAD compares: South Asian, 0.21%; 1 homozygote.

Submission:

CeGaT Center for Human Genetics Tuebingen
Classification: Likely benign. Last evaluated: 2022-11-01. Review status: criteria provided, single submitter. Criteria: CeGaT Center For Human Genetics Tuebingen Variant Classification Criteria Version 2. Collection method: clinical testing. Allele origin: germline. Affected: yes. Observed: 1 variant allele.
Comment: GPLD1: BP4, BP7